The following is an entry in ClinVar:

NM_000179.3(MSH6):c.997A>C (p.Thr333Pro)

Gene: MSH6 (mutS homolog 6; plus strand). Cytogenetic location: 2p16.3.
Variant type: single nucleotide variant.
Coding change: c.997A>C on transcript NM_000179.3 (MANE Select); coding-DNA position 997, A replaced by C.
Protein change: p.Thr333Pro; replaces threonine 333 with proline.
Molecular consequence: missense variant.
Genome position (GRCh38, 1-based): chr2:47,798,980, A>C. VCF-style: chr2-47798980-A-C. GRCh37 (hg19) VCF-style: chr2-48026119-A-C.
Other names: c.997A>C (NM_000179.2); c.607A>C, p.Thr203Pro (NM_001281492.2); c.91A>C, p.Thr31Pro (NM_001281493.2, NM_001281494.2); short protein forms T203P, T31P, T333P.
Identifiers: ClinVar variation 1500658 (VCV001500658.8), dbSNP rs886056143, ClinGen allele CA346741145.

ClinVar aggregate classification (germline): Uncertain significance. Review status: criteria provided, multiple submitters, no conflicts (2 of 4 stars). 2 submissions from 2 submitters: Uncertain significance (2). Last evaluated 2023-04-06.

Conditions:
Hereditary nonpolyposis colorectal neoplasms. Identifiers: MedGen C0009405, MeSH D003123.
Hereditary cancer-predisposing syndrome. Also called: Tumor predisposition; Hereditary neoplastic syndrome; Neoplastic Syndromes, Hereditary; Hereditary Cancer Syndrome. Identifiers: Orphanet 140162, MedGen C0027672, MeSH D009386, MONDO:0015356.

Submissions (2):

Ambry Genetics
Classification: Uncertain significance for Hereditary cancer-predisposing syndrome. Last evaluated: 2023-04-06. Review status: criteria provided, single submitter. Criteria: Ambry Variant Classification Scheme 2023. Collection method: clinical testing. Allele origin: germline.
Comment: The p.T333P variant (also known as c.997A>C), located in coding exon 4 of the MSH6 gene, results from an A to C substitution at nucleotide position 997. The threonine at codon 333 is replaced by proline, an amino acid with highly similar properties. This amino acid position is conserved. In addition, the in silico prediction for this alteration is inconclusive. Since supporting evidence is limited at this time, the clinical significance of this alteration remains unclear.

Labcorp Genetics (formerly Invitae), Labcorp
Classification: Uncertain significance for Hereditary nonpolyposis colorectal neoplasms. Last evaluated: 2021-10-31. Review status: criteria provided, single submitter. Criteria: Invitae Variant Classification Sherloc (09022015). Collection method: clinical testing. Allele origin: germline.
Comment: This sequence change replaces threonine, which is neutral and polar, with proline, which is neutral and non-polar, at codon 333 of the MSH6 protein (p.Thr333Pro). This variant is not present in population databases (gnomAD no frequency). This variant has not been reported in the literature in individuals affected with MSH6-related conditions. Advanced modeling of protein sequence and biophysical properties (such as structural, functional, and spatial information, amino acid conservation, physicochemical variation, residue mobility, and thermodynamic stability) performed at Invitae indicates that this missense variant is not expected to disrupt MSH6 protein function. In summary, the available evidence is currently insufficient to determine the role of this variant in disease. Therefore, it has been classified as a Variant of Uncertain Significance.